The following is an entry in ClinVar:

NM_000287.4(PEX6):c.1790C>G (p.Ser597Ter)

Gene: PEX6 (peroxisomal biogenesis factor 6; minus strand). Cytogenetic location: 6p21.1.
Variant type: single nucleotide variant.
Coding change: c.1790C>G on transcript NM_000287.4 (MANE Select); coding-DNA position 1790, C replaced by G.
Protein change: p.Ser597Ter; replaces serine 597 with a stop codon.
Molecular consequence: nonsense. On other transcripts: non-coding transcript variant (1).
Genome position (GRCh38, 1-based): chr6:42,967,462, G>C on the plus strand (C>G on the coding strand, the complement: PEX6 is on the minus strand). VCF-style: chr6-42967462-G-C. GRCh37 (hg19) VCF-style: chr6-42935200-G-C.
Other names: c.1526C>G, p.Ser509Ter (NM_001316313.2); short protein forms S597*, S509*.
Identifiers: ClinVar variation 2103529 (VCV002103529.4), dbSNP rs2481217571, ClinGen allele CA364153613.
Genomic context (GRCh38, chr6:42,967,462, plus strand): 5'-TCCTGGCCCAGGGGAAGGTGGGCAGTGAGGGCCCGCAGGATGCTGAGCCGCTGCCCCTCT[G>C]ACAGAGCAGGCACCTCGAGCTCATGAGGAAATGCTGTCTGCACATCAGCAGGCAGGTCCT-3'

ClinVar aggregate classification (germline): Pathogenic (1 of 4 stars; one submission).

Conditions:
Peroxisome biogenesis disorder. Identifiers: Orphanet 79189, MedGen C1832200, MONDO:0019234. Disease mechanism: loss of function.

Submission:

Labcorp Genetics (formerly Invitae), Labcorp
Classification: Pathogenic for Peroxisome biogenesis disorder. Last evaluated: 2022-02-25. Review status: criteria provided, single submitter. Criteria: Invitae Variant Classification Sherloc (09022015). Collection method: clinical testing. Allele origin: germline.
Comment: This variant is not present in population databases (gnomAD no frequency). For these reasons, this variant has been classified as Pathogenic. This variant has not been reported in the literature in individuals affected with PEX6-related conditions. This sequence change creates a premature translational stop signal (p.Ser597*) in the PEX6 gene. It is expected to result in an absent or disrupted protein product. Loss-of-function variants in PEX6 are known to be pathogenic (PMID: 8670792, 19877282, 21031596).

Literature cited by the submitters: PubMed 8670792; PubMed 19877282; PubMed 21031596.